The following is an entry in ClinVar:

ClinVar aggregate classification (germline): Benign (0 of 4 stars; one submission).

Conditions:
TTC21A-related disorder. Also called: TTC21A-related condition.

Allele frequency attached by ClinVar (database versions not stated): ExAC 0.00066; 1000 Genomes Project 0.00220; gnomAD 0.00230; 1000 Genomes Project 30x 0.00234; TOPMed 0.00235; ESP Exome Variant Server 0.00238.
gnomAD v4.1: 690 of 1,608,372 alleles (0.043%); highest among the groups gnomAD compares: African/African-American, 0.77%; 1 homozygote.

Submissions (4):

PreventionGenetics, part of Exact Sciences
Classification: Benign for TTC21A-related condition. Last evaluated: 2020-01-02. Review status: no assertion criteria provided. Collection method: clinical testing. Allele origin: germline.
Comment: This variant is classified as benign based on ACMG/AMP sequence variant interpretation guidelines (Richards et al. 2015 PMID: 25741868, with internal and published modifications).

Dr. Peter K. Rogan Lab, Western University
No classification provided (evidence only). Condition: Clear cell carcinoma of kidney. Review status: no classification provided. Collection method: in vitro. Allele origin: not applicable. Functional consequence: retained intron. Not counted in ClinVar's aggregate classification.

Dr. Peter K. Rogan Lab, Western University
No classification provided (evidence only). Condition: Acute myeloid leukemia. Review status: no classification provided. Collection method: in vitro. Allele origin: not applicable. Functional consequence: retained intron. Not counted in ClinVar's aggregate classification.

Dr. Peter K. Rogan Lab, Western University
No classification provided (evidence only). Condition: Acute myeloid leukemia. Review status: no classification provided. Collection method: in vitro. Allele origin: not applicable. Functional consequence: retained intron. Not counted in ClinVar's aggregate classification.

NM_001366900.1(TTC21A):c.2135G>A (p.Arg712His)

Gene: TTC21A (tetratricopeptide repeat domain 21A; plus strand). Cytogenetic location: 3p22.2.
Variant type: single nucleotide variant.
Coding change: c.2135G>A on transcript NM_001366900.1 (MANE Select); coding-DNA position 2135, G replaced by A.
Protein change: p.Arg712His; replaces arginine 712 with histidine.
Molecular consequence: missense variant. On other transcripts: non-coding transcript variant (3).
Genome position (GRCh38, 1-based): chr3:39,129,310, G>A. VCF-style: chr3-39129310-G-A. GRCh37 (hg19) VCF-style: chr3-39170801-G-A.
Other names: NC_000003.11:g.39170801G>A; c.2012G>A, p.Arg671His (NM_001105513.3); c.2159G>A, p.Arg720His (NM_001366899.1); c.2156G>A, p.Arg719His (NM_145755.3); short protein forms R671H, R712H, R719H, R720H.
Identifiers: ClinVar variation 3039788 (VCV003039788.3), dbSNP rs9861353, ClinGen allele CA2324579.